The following is an entry in ClinVar:

ClinVar aggregate classification (germline): Likely benign (1 of 4 stars; one submission).

Conditions:
KIDINS220-related disorder. Also called: KIDINS220-related condition.

gnomAD v4.1: 1 of 1,614,208 alleles (0.000062%); highest among the groups gnomAD compares: Non-Finnish European, 0.000085%; no homozygotes.

Submission:

PreventionGenetics, part of Exact Sciences
Classification: Likely benign for KIDINS220-related condition. Last evaluated: 2025-11-04. Review status: criteria provided, single submitter. Criteria: ACMG Guidelines, 2015. Collection method: clinical testing. Allele origin: germline.
Comment: This variant is classified as likely benign based on ACMG/AMP sequence variant interpretation guidelines (Richards et al. 2015 PMID: 25741868, with internal and published modifications).

NM_020738.4(KIDINS220):c.4641G>A (p.Gly1547=)

Gene: KIDINS220 (kinase D interacting substrate 220; minus strand). Cytogenetic location: 2p25.1.
Variant type: single nucleotide variant.
Coding change: c.4641G>A on transcript NM_020738.4 (MANE Select); coding-DNA position 4641, G replaced by A.
Protein change: p.Gly1547=; no amino-acid change (glycine 1547 retained).
Molecular consequence: synonymous variant. On other transcripts: intron variant (6).
Genome position (GRCh38, 1-based): chr2:8,731,395, C>T on the plus strand (G>A on the coding strand, the complement: KIDINS220 is on the minus strand). VCF-style: chr2-8731395-C-T. GRCh37 (hg19) VCF-style: chr2-8871525-C-T.
Other names: c.4644G>A, p.Gly1548= (NM_001348729.2); c.4587G>A, p.Gly1529= (NM_001348731.2); c.4584G>A, p.Gly1528= (NM_001348732.2); c.4473G>A, p.Gly1491= (NM_001348734.2); c.4470G>A, p.Gly1490= (NM_001348735.2); c.4344G>A, p.Gly1448= (NM_001348736.2); c.3882+2049G>A (NM_001348741.2, NM_001348742.2, NM_001348743.2); c.3996+2049G>A (NM_001348738.2); and 1 more.
Identifiers: ClinVar variation 4995897 (VCV004995897.1).